The following is an entry in ClinVar:

ClinVar aggregate classification (germline): Uncertain significance (1 of 4 stars; one submission).

Submission:

Ambry Genetics
Classification: Uncertain significance. Last evaluated: 2026-05-19. Review status: criteria provided, single submitter. Criteria: Ambry Variant Classification Scheme 2023. Collection method: clinical testing. Allele origin: germline.
Comment: The p.N594H variant (also known as c.1780A>C), located in coding exon 1 of the MLH3 gene, results from an A to C substitution at nucleotide position 1780. The asparagine at codon 594 is replaced by histidine, an amino acid with similar properties. This amino acid position is conserved. In addition, this alteration is predicted to be tolerated by in silico analysis. Based on the available evidence, the clinical significance of this variant remains unclear.

NM_001040108.2(MLH3):c.1780A>C (p.Asn594His)

Gene: MLH3 (mutL homolog 3; minus strand). Cytogenetic location: 14q24.3.
Variant type: single nucleotide variant.
Coding change: c.1780A>C on transcript NM_001040108.2 (MANE Select); coding-DNA position 1780, A replaced by C.
Protein change: p.Asn594His; replaces asparagine 594 with histidine.
Molecular consequence: missense variant.
Genome position (GRCh38, 1-based): chr14:75,047,876, T>G on the plus strand (A>C on the coding strand, the complement: MLH3 is on the minus strand). VCF-style: chr14-75047876-T-G. GRCh37 (hg19) VCF-style: chr14-75514579-T-G.
Other names: c.1780A>C, p.Asn594His (NM_014381.3); short protein forms N594H.
Identifiers: ClinVar variation 4860213 (VCV004860213.1).
Genomic context (GRCh38, chr14:75,047,876, plus strand): 5'-GTACTACATGAGTTATAAAGCCAGTGGAACATAATTTAACTCGCCCATAACTAAAAACAT[T>G]TCTTCTTCCACAATTGCTAGATTCTTTTTTTTTCTCTTTCTCTGTCTGAGCACTATGTAC-3'
Protein context (NP_001035197.1, residues 584-604): KKESSNCGRR[Asn594His]VFSYGRVKLC